The following is an entry in ClinVar:

NM_015295.3(SMCHD1):c.2731T>A (p.Leu911Ile)

Gene: SMCHD1 (structural maintenance of chromosomes flexible hinge domain containing 1; plus strand). Cytogenetic location: 18p11.32.
Variant type: single nucleotide variant.
Coding change: c.2731T>A on transcript NM_015295.3 (MANE Select); coding-DNA position 2731, T replaced by A.
Protein change: p.Leu911Ile; replaces leucine 911 with isoleucine.
Molecular consequence: missense variant.
Genome position (GRCh38, 1-based): chr18:2,726,482, T>A. VCF-style: chr18-2726482-T-A. GRCh37 (hg19) VCF-style: chr18-2726480-T-A.
Other names: short protein forms L911I.
Identifiers: ClinVar variation 464165 (VCV000464165.10), dbSNP rs770371694, ClinGen allele CA8871048.

ClinVar aggregate classification (germline): Uncertain significance. Review status: criteria provided, multiple submitters, no conflicts (2 of 4 stars). 2 submissions from 2 submitters: Uncertain significance (2). Last evaluated 2024-03-16.

Conditions:
Inborn genetic diseases. Identifiers: MedGen C0950123, MeSH D030342.
Facioscapulohumeral muscular dystrophy 2 (FSHD2). Also called: MUSCULAR DYSTROPHY, FACIOSCAPULOHUMERAL, TYPE 1B; FACIOSCAPULOHUMERAL MUSCULAR DYSTROPHY 2, DIGENIC; FSHD2, DIGENIC. Identifiers: Orphanet 269, MedGen C1834671, MONDO:0008031, OMIM 158901.

Allele frequency attached by ClinVar (database versions not stated): gnomAD 0.00002 and 0.00003; TOPMed 0.00002; gnomAD exomes 0.00005; ExAC 0.00018.
gnomAD v4.1: 132 of 1,508,494 alleles (0.0088%); highest among the groups gnomAD compares: East Asian, 0.33%; 1 homozygote.

Submissions (2):

Ambry Genetics
Classification: Uncertain significance for Inborn genetic diseases. Last evaluated: 2024-03-16. Review status: criteria provided, single submitter. Criteria: Ambry Variant Classification Scheme 2023. Collection method: clinical testing. Allele origin: germline.

Labcorp Genetics (formerly Invitae), Labcorp
Classification: Uncertain significance for Facioscapulohumeral muscular dystrophy 2. Last evaluated: 2023-06-22. Review status: criteria provided, single submitter. Criteria: Invitae Variant Classification Sherloc (09022015). Collection method: clinical testing. Allele origin: germline.
Comment: This sequence change replaces leucine, which is neutral and non-polar, with isoleucine, which is neutral and non-polar, at codon 911 of the SMCHD1 protein (p.Leu911Ile). This variant is present in population databases (rs770371694, gnomAD 0.07%). This variant has not been reported in the literature in individuals affected with SMCHD1-related conditions. ClinVar contains an entry for this variant (Variation ID: 464165). Advanced modeling of protein sequence and biophysical properties (such as structural, functional, and spatial information, amino acid conservation, physicochemical variation, residue mobility, and thermodynamic stability) performed at Invitae indicates that this missense variant is not expected to disrupt SMCHD1 protein function. In summary, the available evidence is currently insufficient to determine the role of this variant in disease. Therefore, it has been classified as a Variant of Uncertain Significance.